The following is an entry in ClinVar:

ClinVar aggregate classification (germline): Benign (0 of 4 stars; one submission).

Conditions:
YTHDC2-related disorder. Also called: YTHDC2-related condition.

Allele frequency attached by ClinVar (database versions not stated): gnomAD exomes 0.20152; ExAC 0.25360; ESP Exome Variant Server 0.30857; gnomAD 0.31154; 1000 Genomes Project 0.32847; TOPMed 0.33846; 1000 Genomes Project 30x 0.33869.
gnomAD v4.1: 336,395 of 1,582,744 alleles (21%); highest among the groups gnomAD compares: African/African-American, 56%; 42,978 homozygotes.

Submission:

PreventionGenetics, part of Exact Sciences
Classification: Benign for YTHDC2-related condition. Last evaluated: 2019-10-21. Review status: no assertion criteria provided. Collection method: clinical testing. Allele origin: germline.
Comment: This variant is classified as benign based on ACMG/AMP sequence variant interpretation guidelines (Richards et al. 2015 PMID: 25741868, with internal and published modifications).

NM_022828.5(YTHDC2):c.1867+9G>A

Gene: YTHDC2 (YTH N6-methyladenosine RNA binding protein C2; plus strand). Cytogenetic location: 5q22.2.
Variant type: single nucleotide variant.
Coding change: c.1867+9G>A on transcript NM_022828.5 (MANE Select); 9 bases into the intron after coding-DNA position 1867, G replaced by A.
Molecular consequence: intron variant.
Genome position (GRCh38, 1-based): chr5:113,553,368, G>A. VCF-style: chr5-113553368-G-A. GRCh37 (hg19) VCF-style: chr5-112889065-G-A.
Other names: c.1381+9G>A (NM_001345975.2); c.967+9G>A (NM_001345976.2).
Identifiers: ClinVar variation 3060561 (VCV003060561.2), dbSNP rs60871281, ClinGen allele CA3371947.